The following is an entry in ClinVar:

ClinVar aggregate classification (germline): Conflicting classifications of pathogenicity. Review status: criteria provided, conflicting classifications (1 of 4 stars). 14 submissions from 14 submitters: Uncertain significance (12); Likely benign (1). 1 of the submissions does not count toward it. Last evaluated 2026-10-01.

Conditions:
Hereditary cancer. Identifiers: MedGen C1333600.
RAD51D-related disorder. Also called: RAD51D-related condition.
Breast and/or ovarian cancer. Identifiers: MedGen CN221562.
Hereditary cancer-predisposing syndrome. Also called: Hereditary neoplastic syndrome; Tumor predisposition; Neoplastic Syndromes, Hereditary; Hereditary Cancer Syndrome. Identifiers: Orphanet 140162, MedGen C0027672, MeSH D009386, MONDO:0015356.
Hereditary breast ovarian cancer syndrome. Also called: Breast and ovarian cancer; Hereditary breast and/or ovarian cancer syndrome; BRCA1- and BRCA2-Associated Hereditary Breast and Ovarian Cancer; Hereditary breast and ovarian cancer; Hereditary breast and ovarian cancer syndrome; Hereditary breast and ovarian cancer syndrome (HBOC). Identifiers: Orphanet 145, MedGen C0677776, MeSH D061325, MONDO:0003582. Disease mechanism: loss of function.
Breast-ovarian cancer, familial, susceptibility to, 4. Identifiers: Orphanet 145, MedGen C3280345, MONDO:0013669, OMIM 614291.

Allele frequency attached by ClinVar (database versions not stated): gnomAD exomes 0.00002 and 0.00007; ExAC 0.00003; gnomAD 0.00004 and 0.00005; TOPMed 0.00004; ESP Exome Variant Server 0.00008.
gnomAD v4.1: 102 of 1,614,054 alleles (0.0063%); highest among the groups gnomAD compares: Non-Finnish European, 0.0083%; no homozygotes.

Submissions (14):

St. Jude Molecular Pathology, St. Jude Children's Research Hospital
Classification: Uncertain significance for Breast-ovarian cancer, familial, susceptibility to, 4. Last evaluated: 2026-10-01. Review status: criteria provided, single submitter. Criteria: St. Jude Assertion Criteria 2020. Collection method: clinical testing. Allele origin: germline.
Comment: The RAD51D c.185C>T p.(Ser62Leu) missense change has a maximum subpopulation frequency of 0.005% in gnomAD v2.1.1 (.). The in silico tool REVEL predicts a benign effect on protein function, but to our knowledge this prediction has not been confirmed by functional studies. This variant has been reported in a breast and/or ovarian cancer family (PMID: 21822267). In summary, the evidence currently available is insufficient to determine the clinical significance of this variant. It has therefore been classified as of uncertain significance.

German Consortium for Hereditary Breast and Ovarian Cancer, University Hospital Cologne
Classification: Likely benign for Hereditary breast ovarian cancer syndrome. Last evaluated: 2025-12-09. Review status: criteria provided, single submitter. Criteria: ACMG Guidelines, 2015. Collection method: curation. Allele origin: germline.
Comment: This classification follows the ACMG SVI adaptation classification scheme; We chose these criteria: BP4 (supporting benign): REVEL = 0.2 (thus > 0.183 but < 0.290 as per Pejaver (2022, PMID: 36413997) , BS1 (strong benign): gnomAD v4 Grpmax AF 0,007% (98x in ENF)

Labcorp Genetics (formerly Invitae), Labcorp
Classification: Uncertain significance for Breast-ovarian cancer, familial, susceptibility to, 4. Last evaluated: 2025-12-01. Review status: criteria provided, single submitter. Criteria: Invitae Variant Classification Sherloc (09022015). Collection method: clinical testing. Allele origin: germline.
Comment: This sequence change replaces serine, which is neutral and polar, with leucine, which is neutral and non-polar, at codon 62 of the RAD51D protein (p.Ser62Leu). This variant is present in population databases (rs374357106, gnomAD 0.005%). This missense change has been observed in individual(s) with breast and/or ovarian cancer (PMID: 21822267, 37231433). ClinVar contains an entry for this variant (Variation ID: 185036). Invitae Evidence Modeling of protein sequence and biophysical properties (such as structural, functional, and spatial information, amino acid conservation, physicochemical variation, residue mobility, and thermodynamic stability) indicates that this missense variant is not expected to disrupt RAD51D protein function with a negative predictive value of 80%. In summary, the available evidence is currently insufficient to determine the role of this variant in disease. Therefore, it has been classified as a Variant of Uncertain Significance.

Color Diagnostics, LLC DBA Color Health
Classification: Uncertain significance for Hereditary cancer-predisposing syndrome. Last evaluated: 2025-04-29. Review status: criteria provided, single submitter. Criteria: ACMG Guidelines, 2015. Collection method: clinical testing. Allele origin: germline.
Comment: This missense variant replaces serine with leucine at codon 62 of the RAD51D protein. Computational prediction suggests that this variant may not impact protein structure and function. In a mini-gene RNA splicing study, this variant has been shown to result in a significant proportion of full-length transcripts (PMID: 34200360). This variant has been reported in an individual affected with breast and/or ovarian cancer (PMID: 21822267) and in an unaffected individual in an ovarian cancer risk case-control study (PMID: 26261251). This variant has been identified in 6/282720 chromosomes in the general population by the Genome Aggregation Database (gnomAD). The available evidence is insufficient to determine the role of this variant in disease conclusively. Therefore, this variant is classified as a Variant of Uncertain Significance.

Mendelics
Classification: Uncertain significance for Hereditary cancer. Last evaluated: 2025-02-26. Review status: criteria provided, single submitter. Criteria: ACMG Guidelines, 2015. Collection method: clinical testing. Allele origin: unknown.
Comment: The available evidence is insufficient to conclusively determine the role of this variant. Therefore, it is classified as a Variant of Uncertain Significance.

Ambry Genetics
Classification: Uncertain significance for Hereditary cancer-predisposing syndrome. Last evaluated: 2024-07-30. Review status: criteria provided, single submitter. Criteria: Ambry Variant Classification Scheme 2023. Collection method: clinical testing. Allele origin: germline.
Comment: The p.S62L variant (also known as c.185C>T), located in coding exon 3 of the RAD51D gene, results from a C to T substitution at nucleotide position 185. The serine at codon 62 is replaced by leucine, an amino acid with dissimilar properties. In one study, this variant was detected in 1/911 patients from families with breast and/or ovarian cancer and was not seen in 1060 population controls from the United Kingdom (Loveday C et al. Nat. Genet., 2011 Aug;43:879-882). In another study, this variant was not detected in 3429 patients with invasive epithelial ovarian cancer, but was reported in 1/2772 controls (Song H et al. J. Clin. Oncol. 2015 Sep;33:2901-7). This amino acid position is well conserved in available vertebrate species. In addition, this alteration is predicted to be tolerated by in silico analysis. Based on the available evidence, the clinical significance of this variant remains unclear.

Baylor Genetics
Classification: Uncertain significance for Breast-ovarian cancer, familial, susceptibility to, 4. Last evaluated: 2024-03-20. Review status: criteria provided, single submitter. Criteria: ACMG Guidelines, 2015. Collection method: clinical testing. Allele origin: unknown.

Quest Diagnostics Nichols Institute San Juan Capistrano
Classification: Uncertain significance. Last evaluated: 2023-12-15. Review status: criteria provided, single submitter. Criteria: Quest Diagnostics criteria. Collection method: clinical testing. Allele origin: unknown.
Comment: The RAD51D c.185C>T (p.Ser62Leu) variant has been reported in the published literature in individuals/families affected with breast and/or ovarian cancer (PMIDs: 21822267 (2011), 34923718 (2022)), as well as in reportedly healthy individuals (PMID: 26261251 (2015)). The frequency of this variant in the general population, 0.000046 (6/129096 chromosomes (Genome Aggregation Database)), is uninformative in the assessment of its pathogenicity. Analysis of this variant using bioinformatics tools for the prediction of the effect of amino acid changes on protein structure and function yielded conflicting predictions that this variant is benign or damaging. Based on the available information, we are unable to determine the clinical significance of this variant.

Department of Pathology and Laboratory Medicine, Sinai Health System
Classification: Uncertain significance for Hereditary breast ovarian cancer syndrome. Last evaluated: 2023-09-28. Review status: criteria provided, single submitter. Criteria: ACMG Guidelines, 2015. Collection method: clinical testing. Allele origin: germline. Affected: yes.

GeneDx
Classification: Uncertain significance. Last evaluated: 2023-07-03. Review status: criteria provided, single submitter. Criteria: GeneDx Variant Classification Process June 2021. Collection method: clinical testing. Allele origin: germline. Affected: yes.
Comment: In silico analysis supports that this missense variant has a deleterious effect on protein structure/function; Minigene assay demonstrates slightly increased amount of alternatively spliced transcripts, but the clinical significance is unclear (Bueno-Martinez et al., 2021); This variant is associated with the following publications: (PMID: 26261251, 27720647, 14704354, 19327148, 34923718, 21822267, 34200360)

Women's Health and Genetics/Laboratory Corporation of America, LabCorp
Classification: Uncertain significance. Last evaluated: 2022-07-28. Review status: criteria provided, single submitter. Criteria: LabCorp Variant Classification Summary - May 2015. Collection method: clinical testing. Allele origin: germline.
Comment: Variant summary: RAD51D c.185C>T (p.Ser62Leu) results in a non-conservative amino acid change in the encoded protein sequence. Three of five in-silico tools predict a damaging effect of the variant on protein function. The variant allele was found at a frequency of 2.3e-05 in 261166 control chromosomes (gnomAD and publication data). The available data on variant occurrences in the general population are insufficient to allow any conclusion about variant significance. c.185C>T has been reported in the literature in individuals affected with Hereditary Breast And Ovarian Cancer Syndrome (Loveday_2011, Boni_2021). These reports do not provide unequivocal conclusions about association of the variant with Hereditary Breast And Ovarian Cancer Syndrome. To our knowledge, no experimental evidence demonstrating an impact on protein function has been reported. Six ClinVar submitters (evaluation after 2014) cite the variant as uncertain significance. Based on the evidence outlined above, the variant was classified as uncertain significance.

CHEO Genetics Diagnostic Laboratory, Children's Hospital of Eastern Ontario
Classification: Uncertain significance for Breast and/or ovarian cancer. Last evaluated: 2022-06-19. Review status: criteria provided, single submitter. Criteria: ACMG Guidelines, 2015. Collection method: clinical testing. Allele origin: germline.

Sema4
Classification: Uncertain significance for Hereditary cancer-predisposing syndrome. Last evaluated: 2021-05-28. Review status: criteria provided, single submitter. Criteria: Sema4 Curation Guidelines. Collection method: curation. Allele origin: germline.
Comment: The RAD51D c.185C>T (p.S62L) variant has been reported in at least one individual with breast or ovarian cancer (PMID: 21822267), but was also identified in a healthy control in a separate ovarian cancer case-control study (PMID: 26261251). It was observed in 6/129096 chromosomes of the Non-Finnish European subpopulation in the large and broad cohorts of the Genome Aggregation Database (PMID: 32461654). The variant has been reported in ClinVar (Variation ID 185036). In silico tools suggest the impact of the variant on protein function is inconclusive, though these predictions have not been confirmed by functional studies. The evidence is insufficient to meet ACMG/AMP criteria for classifying the variant as benign or pathogenic. Thus, the clinical significance of this variant is currently uncertain.

PreventionGenetics, part of Exact Sciences
Classification: Uncertain significance for RAD51D-related condition. Last evaluated: 2024-07-22. Review status: no assertion criteria provided. Collection method: clinical testing. Allele origin: germline. Not counted in ClinVar's aggregate classification.
Comment: The RAD51D c.185C>T variant is predicted to result in the amino acid substitution p.Ser62Leu. This variant has been reported in individuals with breast and/or ovarian cancer (Table S4, Loveday et al. 2011. PubMed ID: 21822267; Table A4, Song et al. 2015. PubMed ID: 26261251; Bueno-Martínez et al. 2021. PubMed ID: 34200360). This variant is reported in 0.0046% of alleles in individuals of European (Non-Finnish) descent in gnomAD, and it has been interpreted as a variant of uncertain significance in the ClinVar database. At this time, the clinical significance of this variant is uncertain due to the absence of conclusive functional and genetic evidence.

Literature cited by the submitters: PubMed 21822267 (cited by 7 submitters); PubMed 37231433 (cited by Labcorp Genetics (formerly Invitae), Labcorp and Quest Diagnostics Nichols Institute San Juan Capistrano); PubMed 26261251 (cited by 6 submitters); PubMed 34200360 (cited by 4 submitters); PubMed 34923718 (cited by 3 submitters); PubMed 27720647 (cited by Women's Health and Genetics/Laboratory Corporation of America, LabCorp).

NM_002878.4(RAD51D):c.185C>T (p.Ser62Leu)

Genes: RAD51D (RAD51 paralog D; minus strand), RAD51L3-RFFL (RAD51L3-RFFL readthrough; minus strand). Cytogenetic location: 17q12.
Variant type: single nucleotide variant.
Coding change: c.185C>T on transcript NM_002878.4 (MANE Select); coding-DNA position 185, C replaced by T.
Protein change: p.Ser62Leu; replaces serine 62 with leucine.
Molecular consequence: missense variant. On other transcripts: intron variant (2).
Genome position (GRCh38, 1-based): chr17:35,118,579, G>A on the plus strand (C>T on the coding strand, the complement: RAD51D is on the minus strand). VCF-style: chr17-35118579-G-A. GRCh37 (hg19) VCF-style: chr17-33445598-G-A.
Other names: c.144+532C>T (NM_133629.3, NM_001142571.2); short protein forms S62L.
Identifiers: ClinVar variation 185036 (VCV000185036.38), dbSNP rs374357106, ClinGen allele CA190835.